The following is an entry in ClinVar:

NM_000350.3(ABCA4):c.3073C>G (p.Leu1025Val)

Gene: ABCA4 (ATP binding cassette subfamily A member 4; minus strand). Cytogenetic location: 1p22.1.
Variant type: single nucleotide variant.
Coding change: c.3073C>G on transcript NM_000350.3 (MANE Select); coding-DNA position 3073, C replaced by G.
Protein change: p.Leu1025Val; replaces leucine 1025 with valine.
Molecular consequence: missense variant.
Genome position (GRCh38, 1-based): chr1:94,043,453, G>C on the plus strand (C>G on the coding strand, the complement: ABCA4 is on the minus strand). VCF-style: chr1-94043453-G-C. GRCh37 (hg19) VCF-style: chr1-94509009-G-C.
Other names: c.2851C>G, p.Leu951Val (NM_001425324.1); short protein forms L1025V, L951V.
Identifiers: ClinVar variation 2134822 (VCV002134822.4), dbSNP rs2523774410, ClinGen allele CA341292671.
Genomic context (GRCh38, chr1:94,043,453, plus strand): 5'-TGGCTTCCATCTCCAGCTGGGCCTCCTCCTGGGACTTTCCTTTCAGCTGGGCATAGAACA[G>C]CATGTGCTCAGCCACCGTGAGGCTAGGAGGATGGGACAACGAGAAAAGCAGTGGCTTAGC-3'
Protein context (NP_000341.2, residues 1015-1035): FHHLTVAEHM[Leu1025Val]FYAQLKGKSQ

ClinVar aggregate classification (germline): Uncertain significance (1 of 4 stars; one submission).

Submission:

Labcorp Genetics (formerly Invitae), Labcorp
Classification: Uncertain significance. Last evaluated: 2022-05-06. Review status: criteria provided, single submitter. Criteria: Invitae Variant Classification Sherloc (09022015). Collection method: clinical testing. Allele origin: germline.
Comment: In summary, the available evidence is currently insufficient to determine the role of this variant in disease. Therefore, it has been classified as a Variant of Uncertain Significance. Algorithms developed to predict the effect of missense changes on protein structure and function (SIFT, PolyPhen-2, Align-GVGD) all suggest that this variant is likely to be disruptive. This variant has not been reported in the literature in individuals affected with ABCA4-related conditions. This variant is not present in population databases (gnomAD no frequency). This sequence change replaces leucine, which is neutral and non-polar, with valine, which is neutral and non-polar, at codon 1025 of the ABCA4 protein (p.Leu1025Val).